The following is an entry in ClinVar:

NM_014844.5(TECPR2):c.2931C>T (p.Val977=)

Gene: TECPR2 (tectonin beta-propeller repeat containing 2; plus strand). Cytogenetic location: 14q32.31.
Variant type: single nucleotide variant.
Coding change: c.2931C>T on transcript NM_014844.5 (MANE Select); coding-DNA position 2931, C replaced by T.
Protein change: p.Val977=; no amino-acid change (valine 977 retained).
Molecular consequence: synonymous variant.
Genome position (GRCh38, 1-based): chr14:102,443,825, C>T. VCF-style: chr14-102443825-C-T. GRCh37 (hg19) VCF-style: chr14-102910162-C-T.
Other names: c.2931C>T, p.Val977= (NM_001172631.3).
Identifiers: ClinVar variation 3342077 (VCV003342077.16).

ClinVar aggregate classification (germline): Likely benign (1 of 4 stars; one submission).

Submission:

CeGaT Center for Human Genetics Tuebingen
Classification: Likely benign. Last evaluated: 2024-08-01. Review status: criteria provided, single submitter. Criteria: CeGaT Center For Human Genetics Tuebingen Variant Classification Criteria Version 2. Collection method: clinical testing. Allele origin: germline. Affected: yes. Observed: 1 variant allele.
Comment: TECPR2: PM2:Supporting, BP4, BP7